The following is an entry in ClinVar:

NM_004415.4(DSP):c.1611G>A (p.Trp537Ter)

Gene: DSP (desmoplakin; plus strand). Cytogenetic location: 6p24.3.
Variant type: single nucleotide variant.
Coding change: c.1611G>A on transcript NM_004415.4 (MANE Select); coding-DNA position 1611, G replaced by A.
Protein change: p.Trp537Ter; replaces tryptophan 537 with a stop codon.
Molecular consequence: nonsense.
Genome position (GRCh38, 1-based): chr6:7,570,473, G>A. VCF-style: chr6-7570473-G-A. GRCh37 (hg19) VCF-style: chr6-7570706-G-A.
Other names: c.1611G>A, p.Trp537Ter (NM_001008844.3, NM_001319034.2); short protein forms W537*.
Identifiers: ClinVar variation 2110715 (VCV002110715.4), dbSNP rs794728114, ClinGen allele CA005042.

ClinVar aggregate classification (germline): Pathogenic (1 of 4 stars; one submission).

Conditions:
Arrhythmogenic right ventricular dysplasia 8 (ARVD8). Also called: Arrhythmogenic Right Ventricular Dysplasia/Cardiomyopathy 8; ARRHYTHMOGENIC RIGHT VENTRICULAR DYSPLASIA, FAMILIAL, 8; ARRHYTHMOGENIC RIGHT VENTRICULAR CARDIOMYOPATHY 8. Identifiers: MedGen C1843896, MONDO:0011831, OMIM 607450.
Arrhythmogenic cardiomyopathy with wooly hair and keratoderma. Also called: Dilated cardiomyopathy with woolly hair and keratoderma; Arrhythmogenic cardiomyopathy with woolly hair and keratoderma; Carvajal syndrome; PALMOPLANTAR KERATODERMA WITH LEFT VENTRICULAR CARDIOMYOPATHY AND WOOLLY HAIR. Identifiers: Orphanet 65282, MedGen C1854063, MONDO:0011581, OMIM 605676.

Submission:

Labcorp Genetics (formerly Invitae), Labcorp
Classification: Pathogenic for Arrhythmogenic cardiomyopathy with wooly hair and keratoderma; Arrhythmogenic right ventricular dysplasia 8. Last evaluated: 2022-03-13. Review status: criteria provided, single submitter. Criteria: Invitae Variant Classification Sherloc (09022015). Collection method: clinical testing. Allele origin: germline.
Comment: This sequence change creates a premature translational stop signal (p.Trp537*) in the DSP gene. It is expected to result in an absent or disrupted protein product. Loss-of-function variants in DSP are known to be pathogenic (PMID: 20716751, 24503780, 25227139). This variant is not present in population databases (gnomAD no frequency). This variant has not been reported in the literature in individuals affected with DSP-related conditions. For these reasons, this variant has been classified as Pathogenic.

Literature cited by the submitters: PubMed 20716751; PubMed 24503780; PubMed 25227139.